The following is an entry in ClinVar:

ClinVar aggregate classification (germline): Benign/Likely benign. Review status: criteria provided, single submitter (1 of 4 stars). 2 submissions from 1 submitter: Benign (1); Likely benign (1). Last evaluated 2018-01-13.

Conditions:
Dilated cardiomyopathy 1J (CMD1J). Also called: CARDIOMYOPATHY, DILATED, WITH SENSORINEURAL HEARING LOSS, AUTOSOMAL DOMINANT. Identifiers: Orphanet 217622, MedGen C1854368, MONDO:0011541, OMIM 605362.
Autosomal dominant nonsyndromic hearing loss 10. Identifiers: Orphanet 90635, MedGen C1832476, MONDO:0011031, OMIM 601316.

Allele frequency attached by ClinVar (database versions not stated): gnomAD 0.00460 and 0.00488; TOPMed 0.00509; 1000 Genomes Project 0.00659; 1000 Genomes Project 30x 0.00718.

Submissions (2):

Illumina Laboratory Services, Illumina
Classification: Likely benign for Dilated cardiomyopathy 1J. Last evaluated: 2018-01-13. Review status: criteria provided, single submitter. Criteria: ICSL Variant Classification Criteria 13 December 2019. Collection method: clinical testing. Allele origin: germline.
Comment: This variant was observed in the ICSL laboratory as part of a predisposition screen in an ostensibly healthy population. It had not been previously curated by ICSL or reported in the Human Gene Mutation Database (HGMD: prior to June 1st, 2018), and was therefore a candidate for classification through an automated scoring system. Utilizing variant allele frequency, disease prevalence and penetrance estimates, and inheritance mode, an automated score was calculated to assess if this variant is too frequent to cause the disease. Based on the score and internal cut-off values, a variant classified as likely benign is not then subjected to further curation. The score for this variant resulted in a classification of likely benign for this disease.

Illumina Laboratory Services, Illumina
Classification: Benign for Autosomal dominant nonsyndromic hearing loss 10. Last evaluated: 2018-01-13. Review status: criteria provided, single submitter. Criteria: ICSL Variant Classification Criteria 13 December 2019. Collection method: clinical testing. Allele origin: germline.
Comment: This variant was observed in the ICSL laboratory as part of a predisposition screen in an ostensibly healthy population. It had not been previously curated by ICSL or reported in the Human Gene Mutation Database (HGMD: prior to June 1st, 2018), and was therefore a candidate for classification through an automated scoring system. Utilizing variant allele frequency, disease prevalence and penetrance estimates, and inheritance mode, an automated score was calculated to assess if this variant is too frequent to cause the disease. Based on the score and internal cut-off values, a variant classified as benign is not then subjected to further curation. The score for this variant resulted in a classification of benign for this disease.

NM_004100.5(EYA4):c.-445C>T

Gene: EYA4 (EYA transcriptional coactivator and phosphatase 4; plus strand). Cytogenetic location: 6q23.2.
Variant type: single nucleotide variant.
Coding change: c.-445C>T on transcript NM_004100.5 (MANE Select); 445 bases upstream of the start codon, C replaced by T.
Molecular consequence: 5 prime UTR variant.
Genome position (GRCh38, 1-based): chr6:133,241,370, C>T. VCF-style: chr6-133241370-C-T. GRCh37 (hg19) VCF-style: chr6-133562508-C-T.
Other names: c.-445C>T (NM_001301012.2, NM_001301013.2, NM_001370458.1 and 3 more transcripts).
Identifiers: ClinVar variation 904577 (VCV000904577.4), dbSNP rs112196731, ClinGen allele CA148375612.